The following is an entry in ClinVar:

ClinVar aggregate classification (germline): Uncertain significance (1 of 4 stars; one submission).

Conditions:
Carney complex, type 1 (CNC1). Also called: CARNEY COMPLEX, TYPE I; CARNEY MYXOMA-ENDOCRINE COMPLEX. Identifiers: Orphanet 1359, MedGen C2607929, MONDO:0008057, OMIM 160980.

Submission:

Labcorp Genetics (formerly Invitae), Labcorp
Classification: Uncertain significance for Carney complex, type 1. Last evaluated: 2025-04-30. Review status: criteria provided, single submitter. Criteria: Invitae Variant Classification Sherloc (09022015). Collection method: clinical testing. Allele origin: germline.
Comment: This sequence change replaces threonine, which is neutral and polar, with serine, which is neutral and polar, at codon 40 of the PRKAR1A protein (p.Thr40Ser). This variant is not present in population databases (gnomAD no frequency). This variant has not been reported in the literature in individuals affected with PRKAR1A-related conditions. Invitae Evidence Modeling of protein sequence and biophysical properties (such as structural, functional, and spatial information, amino acid conservation, physicochemical variation, residue mobility, and thermodynamic stability) indicates that this missense variant is not expected to disrupt PRKAR1A protein function with a negative predictive value of 95%. In summary, the available evidence is currently insufficient to determine the role of this variant in disease. Therefore, it has been classified as a Variant of Uncertain Significance.

NM_002734.5(PRKAR1A):c.119C>G (p.Thr40Ser)

Gene: PRKAR1A (protein kinase cAMP-dependent type I regulatory subunit alpha; plus strand). Cytogenetic location: 17q24.2.
Variant type: single nucleotide variant.
Coding change: c.119C>G on transcript NM_002734.5 (MANE Select); coding-DNA position 119, C replaced by G.
Protein change: p.Thr40Ser; replaces threonine 40 with serine.
Molecular consequence: missense variant.
Genome position (GRCh38, 1-based): chr17:68,515,518, C>G. VCF-style: chr17-68515518-C-G. GRCh37 (hg19) VCF-style: chr17-66511659-C-G.
Other names: c.119C>G, p.Thr40Ser (NM_001276289.2, NM_001276290.1, NM_001278433.2 and 4 more transcripts); short protein forms T40S.
Identifiers: ClinVar variation 4798851 (VCV004798851.1).